The following is an entry in ClinVar:

ClinVar aggregate classification (germline): Uncertain significance (1 of 4 stars; one submission).

gnomAD v4.1: 28 of 1,613,634 alleles (0.0017%); highest among the groups gnomAD compares: Middle Eastern, 0.016%; no homozygotes.

Submission:

Labcorp Genetics (formerly Invitae), Labcorp
Classification: Uncertain significance. Last evaluated: 2026-01-27. Review status: criteria provided, single submitter. Criteria: Invitae Variant Classification Sherloc (09022015). Collection method: clinical testing. Allele origin: germline.
Comment: This sequence change replaces arginine, which is basic and polar, with glutamine, which is neutral and polar, at codon 3659 of the KMT2A protein (p.Arg3659Gln). This variant is present in population databases (rs782142171, gnomAD 0.01%). This variant has not been reported in the literature in individuals affected with KMT2A-related conditions. ClinVar contains an entry for this variant (Variation ID: 1430423). Invitae Evidence Modeling of protein sequence and biophysical properties (such as structural, functional, and spatial information, amino acid conservation, physicochemical variation, residue mobility, and thermodynamic stability) indicates that this missense variant is not expected to disrupt KMT2A protein function with a negative predictive value of 95%. In summary, the available evidence is currently insufficient to determine the role of this variant in disease. Therefore, it has been classified as a Variant of Uncertain Significance.

NM_001197104.2(KMT2A):c.10976G>A (p.Arg3659Gln)

Gene: KMT2A (lysine methyltransferase 2A; plus strand). Cytogenetic location: 11q23.3.
Variant type: single nucleotide variant.
Coding change: c.10976G>A on transcript NM_001197104.2 (MANE Select); coding-DNA position 10976, G replaced by A.
Protein change: p.Arg3659Gln; replaces arginine 3659 with glutamine.
Molecular consequence: missense variant.
Genome position (GRCh38, 1-based): chr11:118,510,023, G>A. VCF-style: chr11-118510023-G-A. GRCh37 (hg19) VCF-style: chr11-118380738-G-A.
Other names: c.10967G>A, p.Arg3656Gln (NM_005933.4); short protein forms R3656Q, R3659Q.
Identifiers: ClinVar variation 1430423 (VCV001430423.8), dbSNP rs782142171, ClinGen allele CA6304876.